The following is an entry in ClinVar:

NM_001035.3(RYR2):c.9815A>T (p.His3272Leu)

Gene: RYR2 (ryanodine receptor 2; plus strand). Cytogenetic location: 1q43.
Variant type: single nucleotide variant.
Coding change: c.9815A>T on transcript NM_001035.3 (MANE Select); coding-DNA position 9815, A replaced by T.
Protein change: p.His3272Leu; replaces histidine 3272 with leucine.
Molecular consequence: missense variant.
Genome position (GRCh38, 1-based): chr1:237,707,183, A>T. VCF-style: chr1-237707183-A-T. GRCh37 (hg19) VCF-style: chr1-237870483-A-T.
Other names: short protein forms H3272L.
Identifiers: ClinVar variation 3069681 (VCV003069681.1), dbSNP rs2547402888, ClinGen allele CA345409139.
Genomic context (GRCh38, chr1:237,707,183, plus strand): 5'-ATGGACCTGAGAACAATCCAGAACGGGCCGAGATGTGCTGCACAGCCCTGAACTCAGAGC[A>T]CATGAACACACTTCTAGGGAACATATTGAAAATCATATATAATAACTTGGGGATTGATGA-3'
Protein context (NP_001026.2, residues 3262-3282): EMCCTALNSE[His3272Leu]MNTLLGNILK

ClinVar aggregate classification (germline): Uncertain significance (1 of 4 stars; one submission).

Conditions:
Catecholaminergic polymorphic ventricular tachycardia (CVPT). Also called: Catecholamine-induced polymorphic ventricular tachycardia. Identifiers: Orphanet 3286, MedGen C5574922, MONDO:0017990.

Submission:

All of Us Research Program, National Institutes of Health
Classification: Uncertain significance for Catecholaminergic polymorphic ventricular tachycardia. Last evaluated: 2023-08-15. Review status: criteria provided, single submitter. Criteria: ACMG Guidelines, 2015. Collection method: clinical testing. Allele origin: germline. Inheritance: Autosomal dominant inheritance. Observed: 2 variant alleles, 2 heterozygotes.
Comment: This missense variant replaces histidine with leucine at codon 3272 of the RYR2 protein. Computational prediction suggests that this variant may have deleterious impact on protein structure and function (internally defined REVEL score threshold >= 0.7, PMID: 27666373). To our knowledge, functional studies have not been reported for this variant. This variant has not been reported in individuals affected with RYR2-related disorders in the literature. This variant has not been identified in the general population by the Genome Aggregation Database (gnomAD). The available evidence is insufficient to determine the role of this variant in disease conclusively. Therefore, this variant is classified as a Variant of Uncertain Significance.

This study involves interpretation of variants in research participants for the purpose of population health screening. Participant phenotype was not available at the time of variant classification. Additional details can be found in publication PMID: 35346344, PMCID: PMC8962531